The following is an entry in ClinVar:

NM_001005273.3(CHD3):c.3841G>C (p.Glu1281Gln)

Gene: CHD3 (chromodomain helicase DNA binding protein 3; plus strand). Cytogenetic location: 17p13.1.
Variant type: single nucleotide variant.
Coding change: c.3841G>C on transcript NM_001005273.3 (MANE Select); coding-DNA position 3841, G replaced by C.
Protein change: p.Glu1281Gln; replaces glutamic acid 1281 with glutamine.
Molecular consequence: missense variant.
Genome position (GRCh38, 1-based): chr17:7,903,938, G>C. VCF-style: chr17-7903938-G-C. GRCh37 (hg19) VCF-style: chr17-7807256-G-C.
Other names: c.4018G>C, p.Glu1340Gln (NM_001005271.3, NM_001437504.1); c.4006G>C, p.Glu1336Gln (NM_001437507.1, NM_001437508.1, NM_001437509.1); c.3841G>C, p.Glu1281Gln (NM_005852.4); short protein forms E1281Q, E1336Q, E1340Q.
Identifiers: ClinVar variation 5018046 (VCV005018046.1).

ClinVar aggregate classification (germline): Uncertain significance (1 of 4 stars; one submission).

Submission:

GeneDx
Classification: Uncertain significance. Last evaluated: 2026-03-31. Review status: criteria provided, single submitter. Criteria: GeneDx Variant Classification Process June 2021. Collection method: clinical testing. Allele origin: germline.
Comment: Not observed at significant frequency in large population cohorts (gnomAD); In silico analysis supports that this missense variant has a deleterious effect on protein structure/function; Has not been previously published as pathogenic or benign to our knowledge